The following is an entry in ClinVar:

NM_198859.4(PRICKLE2):c.649A>G (p.Met217Val)

Gene: PRICKLE2 (prickle planar cell polarity protein 2; minus strand). Cytogenetic location: 3p14.1.
Variant type: single nucleotide variant.
Coding change: c.649A>G on transcript NM_198859.4 (MANE Select); coding-DNA position 649, A replaced by G.
Protein change: p.Met217Val; replaces methionine 217 with valine.
Molecular consequence: missense variant.
Genome position (GRCh38, 1-based): chr3:64,153,320, T>C on the plus strand (A>G on the coding strand, the complement: PRICKLE2 is on the minus strand). VCF-style: chr3-64153320-T-C. GRCh37 (hg19) VCF-style: chr3-64138996-T-C.
Other names: c.649A>G, p.Met217Val (NM_001370528.1); short protein forms M217V.
Identifiers: ClinVar variation 858531 (VCV000858531.7), dbSNP rs2077576258, ClinGen allele CA353433990.

ClinVar aggregate classification (germline): Uncertain significance (1 of 4 stars; one submission).

Conditions:
Progressive myoclonic epilepsy type 5. Identifiers: Orphanet 402082, MedGen C5190799.

Allele frequency attached by ClinVar (database versions not stated): gnomAD exomes below 0.00001; TOPMed below 0.00001.

Submission:

Labcorp Genetics (formerly Invitae), Labcorp
Classification: Uncertain significance for Progressive myoclonic epilepsy type 5. Last evaluated: 2022-02-05. Review status: criteria provided, single submitter. Criteria: Invitae Variant Classification Sherloc (09022015). Collection method: clinical testing. Allele origin: germline.
Comment: In summary, the available evidence is currently insufficient to determine the role of this variant in disease. Therefore, it has been classified as a Variant of Uncertain Significance. Algorithms developed to predict the effect of missense changes on protein structure and function are either unavailable or do not agree on the potential impact of this missense change (SIFT: "Deleterious"; PolyPhen-2: "Benign"; Align-GVGD: "Class C15"). ClinVar contains an entry for this variant (Variation ID: 858531). This variant has not been reported in the literature in individuals affected with PRICKLE2-related conditions. This variant is not present in population databases (gnomAD no frequency). This sequence change replaces methionine, which is neutral and non-polar, with valine, which is neutral and non-polar, at codon 217 of the PRICKLE2 protein (p.Met217Val).